The following continues an entry in ClinVar:

NM_000130.4(F5):c.1601G>A (p.Arg534Gln)

Gene: F5. ClinVar aggregate classification (germline): drug response. drug response (1).

Submissions 25 to 33 of 33:

UNC Molecular Genetics  Laboratory, University of North Carolina at Chapel Hill
Classification: Pathogenic for Factor V deficiency; Thrombophilia due to activated protein C resistance. Review status: criteria provided, single submitter. Criteria: ACMG Guidelines, 2015. Collection method: research. Allele origin: germline. Affected: no. Observed: 2 variant alleles. Study: NSIGHT-NC NEXUS. Not counted in ClinVar's aggregate classification.
Comment: Factor V Leiden variant (F5 c.1601G>A (p.R534Q)) is associated with an increased risk of blood clotting (thrombophilia). Factor V Leiden is the most common inherited form of thrombophilia. Individuals homozygous for Factor V Leiden have an estimated 40 to 80 fold increased risk of venous thrombosis compared to individuals without Factor V Leiden (PMID: 12421138; 16931580).

carrier finding

Clinical Genetics Laboratory, University Hospital Schleswig-Holstein
Classification: Pathogenic for Thrombophilia due to activated protein C resistance. Last evaluated: 2022-04-05. Review status: no assertion criteria provided. Collection method: clinical testing. Allele origin: germline. Affected: yes. Not counted in ClinVar's aggregate classification.

OMIM
Classification: Pathogenic for THROMBOPHILIA DUE TO FACTOR V LEIDEN. Last evaluated: 2006-06-15. Review status: no assertion criteria provided. Collection method: literature only. Allele origin: germline. Not counted in ClinVar's aggregate classification.

OMIM
Classification: risk factor for STROKE, ISCHEMIC, SUSCEPTIBILITY TO. Last evaluated: 2006-06-15. Review status: no assertion criteria provided. Collection method: literature only. Allele origin: germline. Not counted in ClinVar's aggregate classification.

OMIM
Classification: risk factor for BUDD-CHIARI SYNDROME, SUSCEPTIBILITY TO. Last evaluated: 2006-06-15. Review status: no assertion criteria provided. Collection method: literature only. Allele origin: germline. Not counted in ClinVar's aggregate classification.

OMIM
Classification: risk factor for PREGNANCY LOSS, RECURRENT, SUSCEPTIBILITY TO, 1. Last evaluated: 2006-06-15. Review status: no assertion criteria provided. Collection method: literature only. Allele origin: germline. Not counted in ClinVar's aggregate classification.

Department of Pathology and Laboratory Medicine, Sinai Health System
Classification: Established risk allele for Factor V Leiden thrombophilia. Review status: no assertion criteria provided. Collection method: research. Allele origin: unknown. Not counted in ClinVar's aggregate classification.
Comment: The F5 c.1601A>G (p.Arg534Gln) variant is commonly known as the Factor V Leiden variant, and is known to cause an increased risk of venous thromboembolism (VTE). The reported risk of venous thromboembolism (VTE) is increased 3-8 fold in heterozygotes, and is increased 9-80 fold in homozygotes. The Leiden variant also results in an increased risk of pregnancy-related VTE and an increased risk of cerebral venous thrombosis in children (Kujovich_1999_PMID:20301542). The variant was identified in dbSNP (ID: rs6025) and ClinVar (classified as pathogenic by Invitae, Knight Diagnostic Laboratories and Human Genome Sequencing Center Clinical Lab,Baylor College of Medicine, as benign by GeneDx and as a risk factor by Laboratory for Molecular Medicine). The variant was identified in control databases in 2511 of 143302 chromosomes (31 homozygous) at a frequency of 0.01752 (Genome Aggregation Database March 6, 2019, v3). The variant was observed in the following populations: Amish in 77 of 900 chromosomes (freq: 0.08556), European (non-Finnish) in 1724 of 64578 chromosomes (freq: 0.0267), European (Finnish) in 250 of 10472 chromosomes (freq: 0.02387), Ashkenazi Jewish in 70 of 3324 chromosomes (freq: 0.02106), South Asian in 40 of 3052 chromosomes (freq: 0.01311), Other in 23 of 2152 chromosomes (freq: 0.01069), Latino in 131 of 13662 chromosomes (freq: 0.009589), and African in 196 of 42032 chromosomes (freq: 0.004663), but was not observed in the East Asian population. The p.Arg534 residue is not conserved in mammals and computational analyses (PolyPhen-2, SIFT, AlignGVGD, BLOSUM, MutationTaster) provide inconsistent predictions regarding the impact to the protein. The variant occurs outside of the splicing consensus sequence and three of four in silico or computational prediction software programs (SpliceSiteFinder, MaxEntScan, NNSPLICE, GeneSplicer) do not predict a difference in splicing. The variant is located in one of three activated protein C (APC) cleavage sites in the factor V protein; functional analysis of this variant has demonstrated resistant to APC cleavage leading to a poor anticoagulant response (Balinda_1994_PMID:8164741; Kujovich_1999_PMID:20301542). In summary, based on the above information this variant meets our laboratory’s criteria to be classified as pathogenic.

Genomic Medicine Center of Excellence, King Faisal Specialist Hospital and Research Centre
Classification: Benign for Thrombophilia due to activated protein C resistance. Last evaluated: 2024-03-29. Review status: flagged submission. Criteria: ACMG Guidelines, 2015. Collection method: clinical testing. Allele origin: germline. Not counted in ClinVar's aggregate classification.
ClinVar note: Reason: Outlier claim with insufficient supporting evidence

Pneumogenomics Laboratory, Instituto Nacional de Enfermedades Respiratorias Ismael Cosio Villegas
Classification: Uncertain significance for Susceptibility to severe coronavirus disease (COVID-19) due to an impaired coagulation process. Last evaluated: 2021-06-29. Review status: flagged submission. Collection method: research. Allele origin: germline. Affected: yes. Not counted in ClinVar's aggregate classification.
Comment: Differences in coagulation-related proteins according to the genotype of patients with severe COVID-19
ClinVar note: Reason: Unnecessary conflicting claim for distinct condition when other classifications are more relevant

Literature cited by the submitters: PubMed 12069454 (cited by ClinPGx); PubMed 15208046 (cited by ClinPGx); PubMed 15946211 (cited by ClinPGx); PubMed 16769590 (cited by ClinPGx); PubMed 28750087 (cited by ClinPGx); PubMed 7968118 (cited by ClinPGx); PubMed 8164741 (cited by 5 submitters); PubMed 7910348 (cited by 3 submitters); PubMed 23900608 (cited by 3 submitters); PubMed 19652888 (cited by Dasa and Laboratory for Molecular Medicine, Mass General Brigham Personalized Medicine); PubMed 7911872 (cited by 3 submitters); PubMed 30297698 (cited by Victorian Clinical Genetics Services, Murdoch Childrens Research Institute); PubMed 11110695 (cited by Variantyx, Inc. and Laboratory for Molecular Medicine, Mass General Brigham Personalized Medicine); PubMed 20051284 (cited by Variantyx, Inc. and Laboratory for Molecular Medicine, Mass General Brigham Personalized Medicine); PubMed 22704462 (cited by Variantyx, Inc.); PubMed 26251307 (cited by 3 submitters); PubMed 21116184 (cited by Laboratory for Molecular Medicine, Mass General Brigham Personalized Medicine); PubMed 12070000 (cited by Laboratory for Molecular Medicine, Mass General Brigham Personalized Medicine); PubMed 23382263 (cited by Laboratory for Molecular Medicine, Mass General Brigham Personalized Medicine); PubMed 21774968 (cited by Laboratory for Molecular Medicine, Mass General Brigham Personalized Medicine); PubMed 26990548 (cited by Baylor Genetics); PubMed 25977387 (cited by Baylor Genetics); PubMed 23677252 (cited by Baylor Genetics); PubMed 27797270 (cited by Ambry Genetics); PubMed 34355501 (cited by ISTH-SSC Genomics in Thrombosis and Hemostasis, KU Leuven, Center for Molecular and Vascular Biology); PubMed 12421138 (cited by UNC Molecular Genetics  Laboratory, University of North Carolina at Chapel Hill); PubMed 16931580 (cited by UNC Molecular Genetics  Laboratory, University of North Carolina at Chapel Hill); PubMed 7803250 (cited by OMIM); PubMed 7877648 (cited by OMIM); PubMed 7586244 (cited by OMIM); PubMed 8616100 (cited by OMIM); PubMed 8822583 (cited by OMIM); PubMed 9518910 (cited by OMIM); PubMed 10666427 (cited by OMIM); PubMed 14996674 (cited by OMIM); PubMed 15638861 (cited by OMIM); PubMed 15534175 (cited by OMIM); PubMed 9245936 (cited by OMIM); PubMed 9734642 (cited by OMIM); PubMed 10328130 (cited by OMIM); PubMed 11018168 (cited by OMIM); PubMed 16493002 (cited by OMIM); PubMed 9459326 (cited by OMIM); PubMed 11686338 (cited by OMIM); PubMed 10494770 (cited by OMIM); PubMed 8049422 (cited by OMIM); PubMed 9372726 (cited by OMIM); PubMed 10477778 (cited by OMIM); PubMed 10507841 (cited by OMIM); PubMed 10348711 (cited by OMIM); PubMed 8164730 (cited by OMIM); PubMed 8566967 (cited by OMIM); PubMed 9415695 (cited by OMIM); PubMed 9339109 (cited by OMIM); PubMed 9454741 (cited by OMIM).